The following is an entry in ClinVar:

NM_000053.4(ATP7B):c.4058G>C (p.Trp1353Ser)

Gene: ATP7B (ATPase copper transporting beta; minus strand). Cytogenetic location: 13q14.3.
Variant type: single nucleotide variant.
Coding change: c.4058G>C on transcript NM_000053.4 (MANE Select); coding-DNA position 4058, G replaced by C.
Protein change: p.Trp1353Ser; replaces tryptophan 1353 with serine.
Molecular consequence: missense variant.
Genome position (GRCh38, 1-based): chr13:51,935,659, C>G on the plus strand (G>C on the coding strand, the complement: ATP7B is on the minus strand). VCF-style: chr13-51935659-C-G. GRCh37 (hg19) VCF-style: chr13-52509795-C-G.
Other names: c.3806G>C, p.Trp1269Ser (NM_001406531.1, NM_001406532.1, NM_001330579.2); c.3770G>C, p.Trp1257Ser (NM_001406534.1); c.3728G>C, p.Trp1243Ser (NM_001406535.1, NM_001406536.1); c.3719G>C, p.Trp1240Ser (NM_001406537.1); c.3680G>C, p.Trp1227Ser (NM_001406538.1); c.3629G>C, p.Trp1210Ser (NM_001406539.1); c.3611G>C, p.Trp1204Ser (NM_001406540.1); c.3572G>C, p.Trp1191Ser (NM_001406541.1, NM_001406542.1); and 21 more; short protein forms W1072S, W1126S, W1137S, W1146S, W1159S, W1189S, W1191S, W1204S.
Identifiers: ClinVar variation 2577289 (VCV002577289.22), dbSNP rs193922110, ClinGen allele CA250072138.
Genomic context (GRCh38, chr13:51,935,659, plus strand): 5'-AGCTGCAGGGATGAGAGCACCACAGACACAGAGGAGGCTGCCATGGCCGCTGAGCCCATC[C>G]AGGGCTGCAGCACAATGCCGATGGGCATGAAGACACCTGGGGAAGAAAGAACTCGCACTC-3'
Protein context (NP_000044.2, residues 1343-1363): FMPIGIVLQP[Trp1353Ser]MGSAAMAASS

ClinVar aggregate classification (germline): Conflicting classifications of pathogenicity. Review status: criteria provided, conflicting classifications (1 of 4 stars). 3 submissions from 3 submitters: Likely pathogenic (1); Uncertain significance (2). Last evaluated 2026-02-01.

Conditions:
Wilson disease (WND). Also called: Wilson's disease. Identifiers: Orphanet 905, MedGen C0019202, MONDO:0010200, OMIM 277900. Disease mechanism: loss of function.

Allele frequency attached by ClinVar (database versions not stated): ESP Exome Variant Server 0.00008.
gnomAD v4.1: 2 of 1,613,684 alleles (0.00012%); highest among the groups gnomAD compares: Non-Finnish European, 0.00017%; no homozygotes.

Submissions (3):

CeGaT Center for Human Genetics Tuebingen
Classification: Likely pathogenic. Last evaluated: 2026-02-01. Review status: criteria provided, single submitter. Criteria: CeGaT Center For Human Genetics Tuebingen Variant Classification Criteria Version 2. Collection method: clinical testing. Allele origin: germline. Affected: yes. Observed: 1 variant allele.
Comment: ATP7B: PM2, PM3, PP3, PP4

All of Us Research Program, National Institutes of Health
Classification: Uncertain significance for Wilson disease. Last evaluated: 2023-12-13. Review status: criteria provided, single submitter. Criteria: ACMG Guidelines, 2015. Collection method: clinical testing. Allele origin: germline. Inheritance: Autosomal recessive inheritance. Observed: 2 variant alleles, 2 heterozygotes.
Comment: This missense variant replaces tryptophan with serine at codon 1353 of the ATP7B protein. Computational prediction suggests that this variant may have deleterious impact on protein structure and function (internally defined REVEL score threshold >= 0.7, PMID: 27666373). Although functional studies have not been reported for this variant, it alters a conserved tryptophan residue in the transmembrane M6 domain of the ATP7B protein (a.a. 1352 - 1375), a highly conserved region that is considered to be important for ATP7B protein function (PMID: 35245129; ClinVar). This variant has been reported in one individual affected with Wilson disease (PMID: 30230192). This variant has not been identified in the general population by the Genome Aggregation Database (gnomAD). The available evidence is insufficient to determine the role of this variant in disease conclusively. Therefore, this variant is classified as a Variant of Uncertain Significance.

This study involves interpretation of variants in research participants for the purpose of population health screening. Participant phenotype was not available at the time of variant classification. Additional details can be found in publication PMID: 35346344, PMCID: PMC8962531

Women's Health and Genetics/Laboratory Corporation of America, LabCorp
Classification: Uncertain significance. Last evaluated: 2023-07-26. Review status: criteria provided, single submitter. Criteria: LabCorp Variant Classification Summary - May 2015. Collection method: clinical testing. Allele origin: germline.
Comment: Variant summary: ATP7B c.4058G>C (p.Trp1353Ser) results in a non-conservative amino acid change in the encoded protein sequence. Five of five in-silico tools predict a damaging effect of the variant on protein function. The variant was absent in 245964 control chromosomes (gnomAD). The available data on variant occurrences in the general population are insufficient to allow any conclusion about variant significance. c.4058G>C has been reported in the literature in an individual affected with Wilson Disease (example: Kluska_2019). These report(s) do not provide unequivocal conclusions about association of the variant with Wilson Disease. To our knowledge, no experimental evidence demonstrating an impact on protein function has been reported. The following publication has been ascertained in the context of this evaluation (PMID: 30230192). No submitters have cited clinical-significance assessments for this variant to ClinVar after 2014. Based on the evidence outlined above, the variant was classified as uncertain significance.

Literature cited by the submitters: PubMed 30230192 (cited by All of Us Research Program, National Institutes of Health and Women's Health and Genetics/Laboratory Corporation of America, LabCorp); PubMed 35245129 (cited by All of Us Research Program, National Institutes of Health).